The following is an entry in ClinVar:

NM_005269.3(GLI1):c.1528C>T (p.Arg510Trp)

Gene: GLI1 (GLI family zinc finger 1; plus strand). Cytogenetic location: 12q13.3.
Variant type: single nucleotide variant.
Coding change: c.1528C>T on transcript NM_005269.3 (MANE Select); coding-DNA position 1528, C replaced by T.
Protein change: p.Arg510Trp; replaces arginine 510 with tryptophan.
Molecular consequence: missense variant.
Genome position (GRCh38, 1-based): chr12:57,469,650, C>T. VCF-style: chr12-57469650-C-T. GRCh37 (hg19) VCF-style: chr12-57863433-C-T.
Other names: c.1144C>T, p.Arg382Trp (NM_001160045.2); c.1405C>T, p.Arg469Trp (NM_001167609.2); short protein forms R382W, R469W, R510W.
Identifiers: ClinVar variation 779352 (VCV000779352.37), dbSNP rs149817893, ClinGen allele CA6648803.

ClinVar aggregate classification (germline): Likely benign. Review status: criteria provided, multiple submitters, no conflicts (2 of 4 stars). 3 submissions from 3 submitters: Likely benign (2). 1 of the submissions does not count toward it. Last evaluated 2024-01-01.

Conditions:
GLI1-related disorder. Also called: GLI1-related condition.

Allele frequency attached by ClinVar (database versions not stated): 1000 Genomes Project 30x 0.00125; 1000 Genomes Project 0.00160; TOPMed 0.00193; gnomAD 0.00219 and 0.00225; ESP Exome Variant Server 0.00231; gnomAD exomes 0.00268 and 0.00327; ExAC 0.00320.

Submissions (3):

CeGaT Center for Human Genetics Tuebingen
Classification: Likely benign. Last evaluated: 2024-01-01. Review status: criteria provided, single submitter. Criteria: CeGaT Center For Human Genetics Tuebingen Variant Classification Criteria Version 2. Collection method: clinical testing. Allele origin: germline. Affected: yes. Observed: 3 variant alleles.
Comment: GLI1: BS2

Labcorp Genetics (formerly Invitae), Labcorp
Classification: Likely benign. Last evaluated: 2019-12-31. Review status: criteria provided, single submitter. Criteria: Invitae Variant Classification Sherloc (09022015). Collection method: clinical testing. Allele origin: germline.

PreventionGenetics, part of Exact Sciences
Classification: Likely benign for GLI1-related condition. Last evaluated: 2019-02-26. Review status: no assertion criteria provided. Collection method: clinical testing. Allele origin: germline. Not counted in ClinVar's aggregate classification.
Comment: This variant is classified as likely benign based on ACMG/AMP sequence variant interpretation guidelines (Richards et al. 2015 PMID: 25741868, with internal and published modifications).